The following is an entry in ClinVar:

ClinVar aggregate classification (germline): Conflicting classifications of pathogenicity. Review status: criteria provided, conflicting classifications (1 of 4 stars). 5 submissions from 5 submitters: Pathogenic (1); Uncertain significance (4). Last evaluated 2025-10-29.

Conditions:
Cardiovascular phenotype. Identifiers: MedGen CN230736.
Long QT syndrome (LQTS). Identifiers: MedGen C0023976, MeSH D008133, MONDO:0002442. Disease mechanism: loss of function. Inheritance: Various modes of inheritance.
Cardiac arrhythmia. Also called: Arrhythmia; Cardiac rhythm disease. Identifiers: MedGen C0003811, MONDO:0007263, HP:0011675.

gnomAD v4.1: 8 of 1,613,016 alleles (0.0005%); highest among the groups gnomAD compares: Non-Finnish European, 0.00059%; no homozygotes.

Submissions (5):

Ambry Genetics
Classification: Uncertain significance for Cardiovascular phenotype. Last evaluated: 2025-10-29. Review status: criteria provided, single submitter. Criteria: Ambry Variant Classification Scheme 2023. Collection method: clinical testing. Allele origin: germline.
Comment: The p.R452L variant (also known as c.1355G>T), located in coding exon 10 of the KCNQ1 gene, results from a G to T substitution at nucleotide position 1355. The arginine at codon 452 is replaced by leucine, an amino acid with dissimilar properties. Functional studies suggest reduced channel current function; however, additional evidence is needed to confirm this finding (Glazer AM et al. Circulation, 2022 Mar;145:877-891). This amino acid position is not well conserved in available vertebrate species. In addition, the in silico prediction for this alteration is inconclusive. Based on the available evidence, the clinical significance of this variant remains unclear.

Color Diagnostics, LLC DBA Color Health
Classification: Uncertain significance for Cardiac arrhythmia. Last evaluated: 2025-07-22. Review status: criteria provided, single submitter. Criteria: ACMG Guidelines, 2015. Collection method: clinical testing. Allele origin: germline.
Comment: This missense variant replaces arginine with leucine at codon 452 of the KCNQ1 protein. Computational prediction is inconclusive regarding the impact of this variant on protein structure and function. A functional study has shown that this variant causes a reduction of channel current in transfected HEK293 cells (PMID: 34930020). This variant has been reported in an individual affected with premature ventricular contraction (PMID: 34930020). This variant has been identified in 2/249712 chromosomes in the general population by the Genome Aggregation Database (gnomAD). The available evidence is insufficient to determine the role of this variant in disease conclusively. Therefore, this variant is classified as a Variant of Uncertain Significance.

Labcorp Genetics (formerly Invitae), Labcorp
Classification: Uncertain significance for Long QT syndrome. Last evaluated: 2025-02-07. Review status: criteria provided, single submitter. Criteria: Invitae Variant Classification Sherloc (09022015). Collection method: clinical testing. Allele origin: germline.
Comment: This sequence change replaces arginine, which is basic and polar, with leucine, which is neutral and non-polar, at codon 452 of the KCNQ1 protein (p.Arg452Leu). The frequency data for this variant in the population databases is considered unreliable, as metrics indicate poor data quality at this position in the gnomAD database. This missense change has been observed in individual(s) with KCNQ1-related conditions (PMID: 34930020). ClinVar contains an entry for this variant (Variation ID: 200904). Invitae Evidence Modeling of protein sequence and biophysical properties (such as structural, functional, and spatial information, amino acid conservation, physicochemical variation, residue mobility, and thermodynamic stability) indicates that this missense variant is not expected to disrupt KCNQ1 protein function with a negative predictive value of 95%. Experimental studies have shown that this missense change affects KCNQ1 function (PMID: 34930020). In summary, the available evidence is currently insufficient to determine the role of this variant in disease. Therefore, it has been classified as a Variant of Uncertain Significance.

All of Us Research Program, National Institutes of Health
Classification: Uncertain significance for Long QT syndrome. Last evaluated: 2024-04-16. Review status: criteria provided, single submitter. Criteria: ACMG Guidelines, 2015. Collection method: clinical testing. Allele origin: germline. Inheritance: Autosomal dominant inheritance. Observed: 8 variant alleles, 8 heterozygotes.
Comment: This missense variant replaces arginine with leucine at codon 452 of the KCNQ1 protein. Computational prediction is inconclusive regarding the impact of this variant on protein structure and function (internally defined REVEL score threshold 0.5 < inconclusive < 0.7, PMID: 27666373). A functional study has shown that this variant causes a reduction of channel current in transfected HEK293 cells (PMID: 34930020). This variant has been reported in an individual affected with premature ventricular contraction (PMID: 34930020). This variant has been identified in 2/249712 chromosomes in the general population by the Genome Aggregation Database (gnomAD). The available evidence is insufficient to determine the role of this variant in disease conclusively. Therefore, this variant is classified as a Variant of Uncertain Significance.

This study involves interpretation of variants in research participants for the purpose of population health screening. Participant phenotype was not available at the time of variant classification. Additional details can be found in publication PMID: 35346344, PMCID: PMC8962531

GeneDx
Classification: Pathogenic. Last evaluated: 2012-01-09. Review status: criteria provided, single submitter. Criteria: GeneDx Variant Classification (06012015). Collection method: clinical testing. Allele origin: germline. Affected: yes.
Comment: This missense change is denoted Arg452Leu (aka R452L) at the protein level and c.1355 G>T at the cDNA level. The Arg452Leu mutation has not been reported previously as a disease-causing mutation or as a benign polymorphism, to our knowledge. Another mutation at this codon (Arg452Trp) has been published as a disease-causing mutation in one individual with LQTS and it was absent from 1,500 reference alleles ( Tester D et al., 2005). Arg452Leu results in a non-conservative amino acid substitution of a positively charged Arginine residue with a non-polar Leucine residue. Other mutations in nearby codons (Arg451Gln, Arg451Trp, His455Tyr) have been reported in association with LQTS, further supporting the functional importance of this region of the protein. Additionally, the NHLBI ESP Exome Variant Server reports Arg452Leu was not observed in approximately 5,300 samples from individuals of European and African American backgrounds, indicating it is not a common benign variant in these populations.The variant is found in LQT panel(s).

Literature cited by the submitters: PubMed 34930020 (cited by 4 submitters).

NM_000218.3(KCNQ1):c.1355G>T (p.Arg452Leu)

Gene: KCNQ1 (potassium voltage-gated channel subfamily Q member 1; plus strand). Cytogenetic location: 11p15.5.
Variant type: single nucleotide variant.
Coding change: c.1355G>T on transcript NM_000218.3 (MANE Select); coding-DNA position 1355, G replaced by T.
Protein change: p.Arg452Leu; replaces arginine 452 with leucine.
Molecular consequence: missense variant.
Genome position (GRCh38, 1-based): chr11:2,588,816, G>T. VCF-style: chr11-2588816-G-T. GRCh37 (hg19) VCF-style: chr11-2610046-G-T.
Other names: p.R452L:CGG>CTG; c.1259G>T, p.Arg420Leu (NM_001406836.1); c.1085G>T, p.Arg362Leu (NM_001406837.1); c.815G>T, p.Arg272Leu (NM_001406838.1); c.974G>T, p.Arg325Leu (NM_181798.2); short protein forms R325L, R452L, R272L, R420L, R362L.
Identifiers: ClinVar variation 200904 (VCV000200904.17), dbSNP rs145229963, ClinGen allele CA005686.